The following is an entry in ClinVar:

ClinVar aggregate classification (germline): Uncertain significance (1 of 4 stars; one submission).

Conditions:
Evans syndrome, immunodeficiency, and premature immunosenescence associated with tripeptidyl-peptidase II deficiency. Identifiers: MedGen CN231723. Disease mechanism: loss of function.

Allele frequency attached by ClinVar (database versions not stated): gnomAD exomes below 0.00001.
gnomAD v4.1: 3 of 1,613,354 alleles (0.00019%); highest among the groups gnomAD compares: Non-Finnish European, 0.00025%; no homozygotes.

Submission:

Labcorp Genetics (formerly Invitae), Labcorp
Classification: Uncertain significance for Evans syndrome, immunodeficiency, and premature immunosenescence associated with tripeptidyl-peptidase II deficiency. Last evaluated: 2022-06-24. Review status: criteria provided, single submitter. Criteria: Invitae Variant Classification Sherloc (09022015). Collection method: clinical testing. Allele origin: germline.
Comment: This sequence change replaces arginine, which is basic and polar, with threonine, which is neutral and polar, at codon 699 of the TPP2 protein (p.Arg699Thr). In summary, the available evidence is currently insufficient to determine the role of this variant in disease. Therefore, it has been classified as a Variant of Uncertain Significance. Algorithms developed to predict the effect of missense changes on protein structure and function are either unavailable or do not agree on the potential impact of this missense change (SIFT: "Deleterious"; PolyPhen-2: "Benign"; Align-GVGD: "Class C0"). This variant has not been reported in the literature in individuals affected with TPP2-related conditions. This variant is not present in population databases (gnomAD no frequency).

NM_001330588.2(TPP2):c.2096G>C (p.Arg699Thr)

Gene: TPP2 (tripeptidyl peptidase 2; plus strand). Cytogenetic location: 13q33.1.
Variant type: single nucleotide variant.
Coding change: c.2096G>C on transcript NM_001330588.2 (MANE Select); coding-DNA position 2096, G replaced by C.
Protein change: p.Arg699Thr; replaces arginine 699 with threonine.
Molecular consequence: missense variant. On other transcripts: non-coding transcript variant (1).
Genome position (GRCh38, 1-based): chr13:102,643,297, G>C. VCF-style: chr13-102643297-G-C. GRCh37 (hg19) VCF-style: chr13-103295647-G-C.
Other names: c.2096G>C, p.Arg699Thr (NM_001367947.1, NM_003291.4); short protein forms R699T.
Identifiers: ClinVar variation 2010281 (VCV002010281.4), dbSNP rs2504012594, ClinGen allele CA388494431.